The following is an entry in ClinVar:

NM_001845.6(COL4A1):c.4972C>T (p.His1658Tyr)

Gene: COL4A1 (collagen type IV alpha 1 chain; minus strand). Cytogenetic location: 13q34.
Variant type: single nucleotide variant.
Coding change: c.4972C>T on transcript NM_001845.6 (MANE Select); coding-DNA position 4972, C replaced by T.
Protein change: p.His1658Tyr; replaces histidine 1658 with tyrosine.
Molecular consequence: missense variant.
Genome position (GRCh38, 1-based): chr13:110,150,401, G>A on the plus strand (C>T on the coding strand, the complement: COL4A1 is on the minus strand). VCF-style: chr13-110150401-G-A. GRCh37 (hg19) VCF-style: chr13-110802748-G-A.
Other names: short protein forms H1658Y.
Identifiers: ClinVar variation 1714718 (VCV001714718.5), dbSNP rs758944770, ClinGen allele CA7046739.

ClinVar aggregate classification (germline): Uncertain significance (1 of 4 stars; one submission).

Allele frequency attached by ClinVar (database versions not stated): ExAC 0.00001; gnomAD 0.00001.
gnomAD v4.1: 1 of 1,613,902 alleles (0.000062%); no homozygotes.

Submission:

Labcorp Genetics (formerly Invitae), Labcorp
Classification: Uncertain significance. Last evaluated: 2022-08-01. Review status: criteria provided, single submitter. Criteria: Invitae Variant Classification Sherloc (09022015). Collection method: clinical testing. Allele origin: germline.
Comment: In summary, the available evidence is currently insufficient to determine the role of this variant in disease. Therefore, it has been classified as a Variant of Uncertain Significance. Advanced modeling of protein sequence and biophysical properties (such as structural, functional, and spatial information, amino acid conservation, physicochemical variation, residue mobility, and thermodynamic stability) performed at Invitae indicates that this missense variant is not expected to disrupt COL4A1 protein function. This variant has not been reported in the literature in individuals affected with COL4A1-related conditions. This variant is present in population databases (rs758944770, gnomAD 0.008%). This sequence change replaces histidine, which is basic and polar, with tyrosine, which is neutral and polar, at codon 1658 of the COL4A1 protein (p.His1658Tyr).